The following is an entry in ClinVar:

ClinVar aggregate classification (germline): Conflicting classifications of pathogenicity. Review status: criteria provided, conflicting classifications (1 of 4 stars). 3 submissions from 3 submitters: Uncertain significance (1); Likely benign (1). 1 of the submissions does not count toward it. Last evaluated 2025-12-16.

Conditions:
Pierson syndrome. Also called: MICROCORIA-CONGENITAL NEPHROTIC SYNDROME. Identifiers: Orphanet 2670, MedGen C1836876, MONDO:0012184, OMIM 609049.
LAMB2-related infantile-onset nephrotic syndrome. Also called: Nephrotic Syndrome, type 5; NEPHROTIC SYNDROME, TYPE 5, WITHOUT OCULAR ABNORMALITIES; NEPHROTIC SYNDROME, TYPE 5, WITH OCULAR ABNORMALITIES. Identifiers: Orphanet 306507, MedGen C3280113, MONDO:0013621, OMIM 614199.
LAMB2-related disorder. Also called: LAMB2-related condition.

Allele frequency attached by ClinVar (database versions not stated): gnomAD exomes 0.00003; gnomAD 0.00007; TOPMed 0.00011; ExAC 0.00012; 1000 Genomes Project 30x 0.00016; 1000 Genomes Project 0.00020.
gnomAD v4.1: 64 of 1,613,670 alleles (0.004%); highest among the groups gnomAD compares: East Asian, 0.1%; no homozygotes.

Submissions (3):

Labcorp Genetics (formerly Invitae), Labcorp
Classification: Likely benign for LAMB2-related infantile-onset nephrotic syndrome; Pierson syndrome. Last evaluated: 2025-12-16. Review status: criteria provided, single submitter. Criteria: Invitae Variant Classification Sherloc (09022015). Collection method: clinical testing. Allele origin: germline.

Fulgent Genetics
Classification: Uncertain significance for Pierson syndrome; LAMB2-related infantile-onset nephrotic syndrome. Last evaluated: 2024-04-26. Review status: criteria provided, single submitter. Criteria: ACMG Guidelines, 2015. Collection method: clinical testing. Allele origin: germline.

PreventionGenetics, part of Exact Sciences
Classification: Likely benign for LAMB2-related condition. Last evaluated: 2023-10-04. Review status: no assertion criteria provided. Collection method: clinical testing. Allele origin: germline. Not counted in ClinVar's aggregate classification.
Comment: This variant is classified as likely benign based on ACMG/AMP sequence variant interpretation guidelines (Richards et al. 2015 PMID: 25741868, with internal and published modifications).

NM_002292.4(LAMB2):c.2766C>T (p.Gly922=)

Gene: LAMB2 (laminin subunit beta 2; minus strand). Cytogenetic location: 3p21.31.
Variant type: single nucleotide variant.
Coding change: c.2766C>T on transcript NM_002292.4 (MANE Select); coding-DNA position 2766, C replaced by T.
Protein change: p.Gly922=; no amino-acid change (glycine 922 retained).
Molecular consequence: synonymous variant.
Genome position (GRCh38, 1-based): chr3:49,125,124, G>A on the plus strand (C>T on the coding strand, the complement: LAMB2 is on the minus strand). VCF-style: chr3-49125124-G-A. GRCh37 (hg19) VCF-style: chr3-49162557-G-A.
Other names: c.2766C>T (NM_002292.3).
Identifiers: ClinVar variation 1944034 (VCV001944034.8), dbSNP rs576108341, ClinGen allele CA2394211.